The following is an entry in ClinVar:

ClinVar aggregate classification (germline): Benign/Likely benign. Review status: criteria provided, multiple submitters, no conflicts (2 of 4 stars). 2 submissions from 2 submitters: Benign (1); Likely benign (1). Last evaluated 2026-08-01.

Allele frequency attached by ClinVar (database versions not stated): gnomAD exomes 0.00012 and 0.00065; gnomAD 0.00026 and 0.00038; TOPMed 0.00035; ExAC 0.00057; 1000 Genomes Project 30x 0.00219; 1000 Genomes Project 0.00260.
gnomAD v4.1: 249 of 1,614,114 alleles (0.015%); highest among the groups gnomAD compares: East Asian, 0.4%; 1 homozygote.

Submissions (2):

CeGaT Center for Human Genetics Tuebingen
Classification: Likely benign. Last evaluated: 2026-08-01. Review status: criteria provided, single submitter. Criteria: CeGaT Center For Human Genetics Tuebingen Variant Classification Criteria Version 2. Collection method: clinical testing. Allele origin: germline. Affected: yes. Observed: 2 variant alleles.
Comment: PPM1D: BP4, BS1

Labcorp Genetics (formerly Invitae), Labcorp
Classification: Benign. Last evaluated: 2025-11-11. Review status: criteria provided, single submitter. Criteria: Invitae Variant Classification Sherloc (09022015). Collection method: clinical testing. Allele origin: germline.

NM_003620.4(PPM1D):c.1435G>A (p.Ala479Thr)

Gene: PPM1D (protein phosphatase, Mg2+/Mn2+ dependent 1D; plus strand). Cytogenetic location: 17q23.2.
Variant type: single nucleotide variant.
Coding change: c.1435G>A on transcript NM_003620.4 (MANE Select); coding-DNA position 1435, G replaced by A.
Protein change: p.Ala479Thr; replaces alanine 479 with threonine.
Molecular consequence: missense variant.
Genome position (GRCh38, 1-based): chr17:60,663,169, G>A. VCF-style: chr17-60663169-G-A. GRCh37 (hg19) VCF-style: chr17-58740530-G-A.
Other names: short protein forms A479T.
Identifiers: ClinVar variation 696646 (VCV000696646.27), dbSNP rs142406693, ClinGen allele CA8687788.